The following is an entry in ClinVar:

NM_000246.4(CIITA):c.481+167G>A

Gene: CIITA (class II major histocompatibility complex transactivator; plus strand). Cytogenetic location: 16p13.13.
Variant type: single nucleotide variant.
Coding change: c.481+167G>A on transcript NM_000246.4 (MANE Select); 167 bases into the intron after coding-DNA position 481, G replaced by A.
Molecular consequence: intron variant.
Genome position (GRCh38, 1-based): chr16:10,901,725, G>A. VCF-style: chr16-10901725-G-A. GRCh37 (hg19) VCF-style: chr16-10995582-G-A.
Other names: c.484+167G>A (NM_001286402.1, NM_001379332.1, NM_001379330.1); c.481+167G>A (NM_001379333.1, NM_001379331.1, NM_001286403.2); c.412+167G>A (NM_001379334.1).
Identifiers: ClinVar variation 103008 (VCV000103008.2), dbSNP rs199476063, ClinGen allele CA229986.
Genomic context (GRCh38, chr16:10,901,725, plus strand): 5'-GCCCCTGCCCTTCTTTGGGTAGAGGCTGAGAGCTTGGGGTCCCTTAGAGTCCTCTAAGGG[G>A]CTCACGACTGTTTGTGGAAGGTGGTAGGGGCTTGGAGCTAACAGATTGTTCATAGGTTCT-3'

ClinVar aggregate classification (germline): not provided (0 of 4 stars; one submission).

Allele frequency attached by ClinVar (database versions not stated): TOPMed below 0.00001; gnomAD 0.00001 and 0.00002; gnomAD exomes 0.00001.
gnomAD v4.1: 7 of 729,396 alleles (0.00096%); highest among the groups gnomAD compares: East Asian, 0.016%; no homozygotes.

Submission:

Human Evolutionary Genetics, Institut Pasteur
No classification provided. Review status: no classification provided. Collection method: not provided. Allele origin: germline.
ClinVar note: Converted during submission from untested to not provided.